The following is an entry in ClinVar:

ClinVar aggregate classification (germline): Benign/Likely benign. Review status: criteria provided, multiple submitters, no conflicts (2 of 4 stars). 6 submissions from 6 submitters: Benign (2); Likely benign (4). Last evaluated 2026-03-18.

Conditions:
CACNA1C-related disorder. Also called: CACNA1C-related disorders; CACNA1C-related condition. Identifiers: MedGen CN381092, MONDO:0700321.
Long QT syndrome (LQTS). Identifiers: MedGen C0023976, MeSH D008133, MONDO:0002442. Disease mechanism: loss of function. Inheritance: Various modes of inheritance.

Allele frequency attached by ClinVar (database versions not stated): ExAC 0.00002; gnomAD 0.00003 and 0.00002; gnomAD exomes 0.00003 and 0.00004; TOPMed 0.00007.
gnomAD v4.1: 42 of 1,601,590 alleles (0.0026%); highest among the groups gnomAD compares: Admixed American, 0.031%; 2 homozygotes.

Submissions (6):

PreventionGenetics, part of Exact Sciences
Classification: Likely benign for CACNA1C-related condition. Last evaluated: 2026-03-18. Review status: criteria provided, single submitter. Criteria: ACMG Guidelines, 2015. Collection method: clinical testing. Allele origin: germline.
Comment: This variant is classified as likely benign based on ACMG/AMP sequence variant interpretation guidelines (Richards et al. 2015 PMID: 25741868, with internal and published modifications).

Labcorp Genetics (formerly Invitae), Labcorp
Classification: Likely benign for Long QT syndrome. Last evaluated: 2025-10-03. Review status: criteria provided, single submitter. Criteria: Invitae Variant Classification Sherloc (09022015). Collection method: clinical testing. Allele origin: germline.

Molecular Diagnostic Laboratory for Inherited Cardiovascular Disease, Montreal Heart Institute
Classification: Likely benign. Last evaluated: 2025-04-09. Review status: criteria provided, single submitter. Criteria: ACMG Guidelines, 2015. Collection method: clinical testing. Allele origin: germline. Affected: no.

Blueprint Genetics
Classification: Likely benign. Last evaluated: 2023-02-03. Review status: criteria provided, single submitter. Criteria: ACMG Guidelines, 2015. Collection method: clinical testing. Allele origin: germline.

Women's Health and Genetics/Laboratory Corporation of America, LabCorp
Classification: Benign. Last evaluated: 2022-10-30. Review status: criteria provided, single submitter. Criteria: LabCorp Variant Classification Summary - May 2015. Collection method: clinical testing. Allele origin: germline.

GeneDx
Classification: Benign. Last evaluated: 2015-03-03. Review status: criteria provided, single submitter. Criteria: GeneDx Variant Classification Process June 2021. Collection method: clinical testing. Allele origin: germline. Affected: yes.

NM_000719.7(CACNA1C):c.3157-7C>T

Gene: CACNA1C (calcium voltage-gated channel subunit alpha1 C; plus strand). Cytogenetic location: 12p13.33.
Variant type: single nucleotide variant.
Coding change: c.3157-7C>T on transcript NM_000719.7 (MANE Select); 7 bases into the intron before coding-DNA position 3157, C replaced by T.
Molecular consequence: intron variant.
Genome position (GRCh38, 1-based): chr12:2,606,604, C>T. VCF-style: chr12-2606604-C-T. GRCh37 (hg19) VCF-style: chr12-2715770-C-T.
Other names: c.3157-7C>T (NM_001167624.3, NM_001167623.2, NM_001167625.2 and 15 more transcripts); c.3217-7C>T (NM_199460.4, NM_001129827.2, NM_001129832.2 and 1 more transcripts); c.3148-7C>T (NM_001129844.2).
Identifiers: ClinVar variation 456959 (VCV000456959.18), dbSNP rs759274364, ClinGen allele CA6389178.